The following is an entry in ClinVar:

ClinVar aggregate classification (germline): Uncertain significance. Review status: criteria provided, multiple submitters, no conflicts (2 of 4 stars). 2 submissions from 2 submitters: Uncertain significance (2). Last evaluated 2023-02-22.

Conditions:
Dilated cardiomyopathy 1D. Identifiers: Orphanet 154, Orphanet 54260, MedGen C1832243, MONDO:0011095, OMIM 601494.
Cardiomyopathy, familial restrictive, 3. Identifiers: Orphanet 75249, MedGen C2676271, MONDO:0012900, OMIM 612422.
Hypertrophic cardiomyopathy 2. Also called: TNNT2-Related Familial Hypertrophic Cardiomyopathy. Identifiers: MedGen C1861864, MONDO:0007266, OMIM 115195.

Submissions (2):

Mayo Clinic Laboratories, Mayo Clinic
Classification: Uncertain significance. Last evaluated: 2023-02-22. Review status: criteria provided, single submitter. Criteria: ACMG Guidelines, 2015. Collection method: clinical testing. Allele origin: germline. Observed: 1 variant allele.
Comment: PM2_supporting, PM5

Labcorp Genetics (formerly Invitae), Labcorp
Classification: Uncertain significance for Cardiomyopathy, familial restrictive, 3; Hypertrophic cardiomyopathy 2; Dilated cardiomyopathy 1D. Last evaluated: 2022-07-19. Review status: criteria provided, single submitter. Criteria: Invitae Variant Classification Sherloc (09022015). Collection method: clinical testing. Allele origin: germline.
Comment: This variant is not present in population databases (gnomAD no frequency). This variant has not been reported in the literature in individuals affected with TNNT2-related conditions. ClinVar contains an entry for this variant (Variation ID: 1436483). Algorithms developed to predict the effect of missense changes on protein structure and function are either unavailable or do not agree on the potential impact of this missense change (SIFT: "Tolerated"; PolyPhen-2: "Possibly Damaging"; Align-GVGD: "Class C0"). This variant disrupts the p.Asn271 amino acid residue in TNNT2. Other variant(s) that disrupt this residue have been determined to be pathogenic (PMID: 20038417, 22857948, 33025817; Invitae). This suggests that this residue is clinically significant, and that variants that disrupt this residue are likely to be disease-causing. In summary, the available evidence is currently insufficient to determine the role of this variant in disease. Therefore, it has been classified as a Variant of Uncertain Significance. This sequence change replaces asparagine, which is neutral and polar, with tyrosine, which is neutral and polar, at codon 271 of the TNNT2 protein (p.Asn271Tyr).

Literature cited by the submitters: PubMed 12707239 (cited by Mayo Clinic Laboratories, Mayo Clinic); PubMed 20038417 (cited by Mayo Clinic Laboratories, Mayo Clinic and Labcorp Genetics (formerly Invitae), Labcorp); PubMed 22857948 (cited by Mayo Clinic Laboratories, Mayo Clinic and Labcorp Genetics (formerly Invitae), Labcorp); PubMed 23396983 (cited by Mayo Clinic Laboratories, Mayo Clinic); PubMed 24093860 (cited by Mayo Clinic Laboratories, Mayo Clinic); PubMed 33025817 (cited by Mayo Clinic Laboratories, Mayo Clinic and Labcorp Genetics (formerly Invitae), Labcorp).

NM_001276345.2(TNNT2):c.841A>T (p.Asn281Tyr)

Gene: TNNT2 (troponin T2, cardiac type; minus strand). Cytogenetic location: 1q32.1.
Variant type: single nucleotide variant.
Coding change: c.841A>T on transcript NM_001276345.2 (MANE Select); coding-DNA position 841, A replaced by T.
Protein change: p.Asn281Tyr; replaces asparagine 281 with tyrosine.
Molecular consequence: missense variant.
Genome position (GRCh38, 1-based): chr1:201,359,633, T>A on the plus strand (A>T on the coding strand, the complement: TNNT2 is on the minus strand). VCF-style: chr1-201359633-T-A. GRCh37 (hg19) VCF-style: chr1-201328761-T-A.
Other names: p.Asn271Tyr; c.832A>T, p.Asn278Tyr (NM_000364.4); c.811A>T, p.Asn271Tyr (NM_001001430.3, NM_001276347.2); c.802A>T, p.Asn268Tyr (NM_001001431.3); c.793A>T, p.Asn265Tyr (NM_001001432.3); c.712A>T, p.Asn238Tyr (NM_001276346.2); short protein forms N265Y, N268Y, N271Y, N238Y, N278Y, N281Y.
Identifiers: ClinVar variation 1436483 (VCV001436483.7), dbSNP rs2102216937, ClinGen allele CA344202358.
Genomic context (GRCh38, chr1:201,359,633, plus strand): 5'-GAAGGAGGGGGCAGGGGGAGGGCTAGGCGAGAATGACCTCAGACACTTACACTTTCTGGT[T>A]ATCGTTGATCCTGTTTCGGAGAACATTGATCTGCAAGAAAAGTGGGAAGGACAAAGAGCA-3'
Protein context (NP_001263274.1, residues 271-291): INVLRNRIND[Asn281Tyr]QKVSKTRGKA